The following is an entry in ClinVar:

NM_003789.4(TRADD):c.593C>A (p.Pro198His)

Gene: TRADD (TNFRSF1A associated via death domain; minus strand). Cytogenetic location: 16q22.1.
Variant type: single nucleotide variant.
Coding change: c.593C>A on transcript NM_003789.4 (MANE Select); coding-DNA position 593, C replaced by A.
Protein change: p.Pro198His; replaces proline 198 with histidine.
Molecular consequence: missense variant.
Genome position (GRCh38, 1-based): chr16:67,155,131, G>T on the plus strand (C>A on the coding strand, the complement: TRADD is on the minus strand). VCF-style: chr16-67155131-G-T. GRCh37 (hg19) VCF-style: chr16-67189034-G-T.
Other names: c.593C>A, p.Pro198His (NM_001323552.2); short protein forms P198H.
Identifiers: ClinVar variation 3033531 (VCV003033531.2), dbSNP rs892184360, ClinGen allele CA282281218.

ClinVar aggregate classification (germline): Uncertain significance (0 of 4 stars; one submission).

Conditions:
TRADD-related disorder. Also called: TRADD-related condition.

Allele frequency attached by ClinVar (database versions not stated): gnomAD exomes below 0.00001; TOPMed below 0.00001.

Submission:

PreventionGenetics, part of Exact Sciences
Classification: Uncertain significance for TRADD-related condition. Last evaluated: 2023-12-20. Review status: no assertion criteria provided. Collection method: clinical testing. Allele origin: germline.
Comment: The TRADD c.593C>A variant is predicted to result in the amino acid substitution p.Pro198His. To our knowledge, this variant has not been reported in the literature. This variant is reported in 0.0040% of alleles in individuals of Latino descent in gnomAD. At this time, the clinical significance of this variant is uncertain due to the absence of conclusive functional and genetic evidence.